The following is an entry in ClinVar:

NM_004006.3(DMD):c.3232C>T (p.Leu1078Phe)

Gene: DMD (dystrophin; minus strand). Cytogenetic location: Xp21.1.
Variant type: single nucleotide variant.
Coding change: c.3232C>T on transcript NM_004006.3 (MANE Select); coding-DNA position 3232, C replaced by T.
Protein change: p.Leu1078Phe; replaces leucine 1078 with phenylalanine.
Molecular consequence: missense variant.
Genome position (GRCh38, 1-based): chrX:32,464,630, G>A on the plus strand (C>T on the coding strand, the complement: DMD is on the minus strand). VCF-style: chrX-32464630-G-A. GRCh37 (hg19) VCF-style: chrX-32482747-G-A.
Other names: c.3208C>T, p.Leu1070Phe (NM_000109.4); c.3220C>T, p.Leu1074Phe (NM_004009.3); c.2863C>T, p.Leu955Phe (NM_004010.3); short protein forms L1078F, L1074F, L955F, L1070F.
Identifiers: ClinVar variation 518826 (VCV000518826.16), dbSNP rs375329908, ClinGen allele CA10379326.
Genomic context (GRCh38, chrX:32,464,630, plus strand): 5'-CATATAAAAATCTTACTCTGCACTGTTTCAGCTGCTTTTTTAGAATTTCTGAATCCCCAA[G>A]GGCAGGCCATTCCTCCTTCAGAAAAACATCAACTTCAGCCATCCATTTCTTCAGGGTTTG-3'
Protein context (NP_003997.2, residues 1068-1088): DVFLKEEWPA[Leu1078Phe]GDSEILKKQL

ClinVar aggregate classification (germline): Conflicting classifications of pathogenicity. Review status: criteria provided, conflicting classifications (1 of 4 stars). 7 submissions from 7 submitters: Uncertain significance (4); Benign (1); Likely benign (1). 1 of the submissions does not count toward it. Last evaluated 2026-01-18.

Conditions:
Cardiovascular phenotype. Identifiers: MedGen CN230736.
Dystrophin deficiency.
Cardiomyopathy (CMYO). Also called: Cardiomyopathies. Identifiers: Orphanet 167848, MedGen C0878544, MONDO:0004994, HP:0001638. Inheritance: Various modes of inheritance.
Becker muscular dystrophy (BMD). Also called: Becker Muscular Dystrophy (BMD); MUSCULAR DYSTROPHY, PSEUDOHYPERTROPHIC PROGRESSIVE, BECKER TYPE. Identifiers: Orphanet 98895, MedGen C0917713, MONDO:0010311, OMIM 300376.
Duchenne muscular dystrophy (DMD). Also called: Duchenne Muscular Dystrophy (DMD); MUSCULAR DYSTROPHY, PSEUDOHYPERTROPHIC PROGRESSIVE, DUCHENNE TYPE. Identifiers: Orphanet 98896, MedGen C0013264, MONDO:0010679, OMIM 310200.
Dilated cardiomyopathy 3B (CMD3B). Also called: CMD3B: DMD-Related Dilated Cardiomyopathy; CARDIOMYOPATHY, DILATED, X-LINKED; DMD-Associated Dilated Cardiomyopathy. Identifiers: Orphanet 154, MedGen C3668940, MONDO:0010542, OMIM 302045.

Allele frequency attached by ClinVar (database versions not stated): TOPMed 0.00004; ESP Exome Variant Server 0.00009; ExAC 0.00001; gnomAD 0.00002; gnomAD exomes 0.00002.
gnomAD v4.1: 13 of 1,208,660 alleles (0.0011%); highest among the groups gnomAD compares: African/African-American, 0.007%; no homozygotes.

Submissions (7):

Labcorp Genetics (formerly Invitae), Labcorp
Classification: Benign for Duchenne muscular dystrophy. Last evaluated: 2026-01-18. Review status: criteria provided, single submitter. Criteria: Invitae Variant Classification Sherloc (09022015). Collection method: clinical testing. Allele origin: germline.

Molecular Diagnostic Laboratory for Inherited Cardiovascular Disease, Montreal Heart Institute
Classification: Uncertain significance for Cardiovascular phenotype. Last evaluated: 2025-04-09. Review status: criteria provided, single submitter. Criteria: ACMG Guidelines, 2015. Collection method: clinical testing. Allele origin: germline. Affected: yes.

Ambry Genetics
Classification: Likely benign for Cardiovascular phenotype. Last evaluated: 2024-08-27. Review status: criteria provided, single submitter. Criteria: Ambry Variant Classification Scheme 2023. Collection method: clinical testing. Allele origin: germline.

Revvity Omics, Revvity
Classification: Uncertain significance. Last evaluated: 2024-01-19. Review status: criteria provided, single submitter. Criteria: ACMG Guidelines, 2015. Collection method: clinical testing. Allele origin: germline.

Fulgent Genetics
Classification: Uncertain significance for Becker muscular dystrophy; Dilated cardiomyopathy 3B; Duchenne muscular dystrophy. Last evaluated: 2021-09-29. Review status: criteria provided, single submitter. Criteria: ACMG Guidelines, 2015. Collection method: clinical testing. Allele origin: unknown.

Women's Health and Genetics/Laboratory Corporation of America, LabCorp
Classification: Uncertain significance. Last evaluated: 2019-04-08. Review status: criteria provided, single submitter. Criteria: LabCorp Variant Classification Summary - May 2015. Collection method: clinical testing. Allele origin: germline.
Comment: Variant summary: DMD c.3232C>T (p.Leu1078Phe) results in a non-conservative amino acid change in the encoded protein sequence. Three of five in-silico tools predict a damaging effect of the variant on protein function. The variant allele was found at a frequency of 1.7e-05 in 178540 control chromosomes. The available data on variant occurrences in the general population are insufficient to allow any conclusion about variant significance. To our knowledge, no occurrence of c.3232C>T in individuals affected with Dystrophinopathies and no experimental evidence demonstrating its impact on protein function have been reported. One clinical diagnostic laboratory has submitted clinical-significance assessments for this variant to ClinVar after 2014 without evidence for independent evaluation and classified the variant as uncertain significance. Based on the evidence outlined above, the variant was classified as uncertain significance.

Natera, Inc.
Classification: Uncertain significance for Becker muscular dystrophy; Cardiomyopathy; Duchenne muscular dystrophy; Dystrophin deficiency. Last evaluated: 2018-06-26. Review status: no assertion criteria provided. Collection method: clinical testing. Allele origin: germline. Not counted in ClinVar's aggregate classification.